The following is an entry in ClinVar:

NM_004329.3(BMPR1A):c.352C>T (p.Leu118=)

Gene: BMPR1A (bone morphogenetic protein receptor type 1A; plus strand). Cytogenetic location: 10q23.2.
Variant type: single nucleotide variant.
Coding change: c.352C>T on transcript NM_004329.3 (MANE Select); coding-DNA position 352, C replaced by T.
Protein change: p.Leu118=; no amino-acid change (leucine 118 retained).
Molecular consequence: synonymous variant.
Genome position (GRCh38, 1-based): chr10:86,899,812, C>T. VCF-style: chr10-86899812-C-T. GRCh37 (hg19) VCF-style: chr10-88659569-C-T.
Identifiers: ClinVar variation 823889 (VCV000823889.15), dbSNP rs587782418, ClinGen allele CA470306462.

ClinVar aggregate classification (germline): Benign/Likely benign. Review status: criteria provided, multiple submitters, no conflicts (2 of 4 stars). 4 submissions from 4 submitters: Benign (1); Likely benign (3). Last evaluated 2026-01-04.

Conditions:
Juvenile polyposis syndrome (JPS). Identifiers: Orphanet 2929, MedGen C0345893, MONDO:0017380, OMIM 174900.
Hereditary cancer-predisposing syndrome. Also called: Neoplastic Syndromes, Hereditary; Hereditary Cancer Syndrome; Hereditary neoplastic syndrome; Tumor predisposition. Identifiers: Orphanet 140162, MedGen C0027672, MeSH D009386, MONDO:0015356.

Submissions (4):

Labcorp Genetics (formerly Invitae), Labcorp
Classification: Likely benign for Juvenile polyposis syndrome. Last evaluated: 2026-01-04. Review status: criteria provided, single submitter. Criteria: Invitae Variant Classification Sherloc (09022015). Collection method: clinical testing. Allele origin: germline.

Myriad Genetics, Inc.
Classification: Benign for Juvenile polyposis syndrome. Last evaluated: 2024-08-01. Review status: criteria provided, single submitter. Criteria: Myriad Autosomal Dominant, Autosomal Recessive and X-Linked Classification Criteria (2023). Collection method: clinical testing. Allele origin: unknown.
Comment: This variant is considered benign. This variant is a silent/synonymous amino acid change and it is not expected to impact splicing.

Women's Health and Genetics/Laboratory Corporation of America, LabCorp
Classification: Likely benign. Last evaluated: 2023-10-29. Review status: criteria provided, single submitter. Criteria: LabCorp Variant Classification Summary - May 2015. Collection method: clinical testing. Allele origin: germline.

Ambry Genetics
Classification: Likely benign for Hereditary cancer-predisposing syndrome. Last evaluated: 2019-03-20. Review status: criteria provided, single submitter. Criteria: Ambry Variant Classification Scheme 2023. Collection method: clinical testing. Allele origin: germline.